The following is an entry in ClinVar:

ClinVar aggregate classification (germline): Conflicting classifications of pathogenicity. Review status: criteria provided, conflicting classifications (1 of 4 stars). 9 submissions from 9 submitters: Uncertain significance (5); Likely benign (3). 1 of the submissions does not count toward it. Last evaluated 2026-07-20.

Conditions:
ABCB11-related disorder. Also called: ABCB11-related condition.
Familial intrahepatic cholestasis. Identifiers: Orphanet 284385, MedGen CN296401, MONDO:0017290.
Progressive familial intrahepatic cholestasis type 2. Identifiers: Orphanet 79304, MedGen C3489789, MONDO:0011156, OMIM 601847.

Allele frequency attached by ClinVar (database versions not stated): 1000 Genomes Project 30x 0.00031; ESP Exome Variant Server 0.00042; TOPMed 0.00048; gnomAD 0.00049 and 0.00052; gnomAD exomes 0.00056 and 0.00071; ExAC 0.00065.
gnomAD v4.1: 1,106 of 1,613,068 alleles (0.069%); highest among the groups gnomAD compares: Non-Finnish European, 0.088%; 1 homozygote.

Submissions (9):

PreventionGenetics, part of Exact Sciences
Classification: Uncertain significance for ABCB11-related condition. Last evaluated: 2026-07-20. Review status: criteria provided, single submitter. Criteria: ACMG Guidelines, 2015. Collection method: clinical testing. Allele origin: germline.
Comment: The ABCB11 c.167C>T variant is predicted to result in the amino acid substitution p.Ser56Leu. To our knowledge, this variant has not been reported in the literature. This variant is reported in 0.10% of alleles in individuals of European (Non-Finnish) descent in gnomAD and has conflicting interpretations regarding its pathogenicity in ClinVar, ranging from likely benign to uncertain (Variation ID: 382469). At this time, the clinical significance of this variant is uncertain due to the absence of conclusive functional and genetic evidence.

Genomenon, Inc
Classification: Uncertain significance for Familial intrahepatic cholestasis. Last evaluated: 2026-04-14. Review status: criteria provided, single submitter. Criteria: Genomenon Sequence Variant Interpretation Standards - Updated. Collection method: curation. Allele origin: germline. Affected: no.
Comment: ABCB11 p.Ser56Leu (c.167C>T) is a missense variant that changes the amino acid at residue 56 from Serine to Leucine. This variant has been reported in the published literature (PMID:20010382;16180115). In silico models predict that this variant is possibly or probably damaging. In conclusion, we classify ABCB11 p.Ser56Leu (c.167C>T) as a variant of uncertain significance.

Labcorp Genetics (formerly Invitae), Labcorp
Classification: Likely benign. Last evaluated: 2025-12-30. Review status: criteria provided, single submitter. Criteria: Invitae Variant Classification Sherloc (09022015). Collection method: clinical testing. Allele origin: germline.

Blueprint Genetics
Classification: Likely benign. Last evaluated: 2024-11-19. Review status: criteria provided, single submitter. Criteria: ACMG Guidelines, 2015. Collection method: clinical testing. Allele origin: germline.

Department of Pathology and Laboratory Medicine, Sinai Health System
Classification: Uncertain significance for progressive familial intrahepatic cholestasis type 2. Last evaluated: 2021-07-30. Review status: criteria provided, single submitter. Criteria: ACMG Guidelines, 2015. Collection method: research. Allele origin: germline.

Eurofins Ntd Llc (ga)
Classification: Uncertain significance. Last evaluated: 2018-03-29. Review status: criteria provided, single submitter. Criteria: EGL ClinVar v180209 classification definitions. Collection method: clinical testing. Allele origin: germline. Observed: 6 variant alleles, 6 heterozygotes.

GeneDx
Classification: Likely benign. Last evaluated: 2017-09-22. Review status: criteria provided, single submitter. Criteria: GeneDx Variant Classification (06012015). Collection method: clinical testing. Allele origin: germline. Affected: yes.
Comment: This variant is considered likely benign or benign based on one or more of the following criteria: it is a conservative change, it occurs at a poorly conserved position in the protein, it is predicted to be benign by multiple in silico algorithms, and/or has population frequency not consistent with disease.

Illumina Laboratory Services, Illumina
Classification: Uncertain significance for Progressive familial intrahepatic cholestasis type 2. Last evaluated: 2017-04-27. Review status: criteria provided, single submitter. Criteria: ICSL Variant Classification Criteria 13 December 2019. Collection method: clinical testing. Allele origin: germline.

Natera, Inc.
Classification: Likely benign for Progressive familial intrahepatic cholestasis type 2. Last evaluated: 2020-07-30. Review status: no assertion criteria provided. Collection method: clinical testing. Allele origin: germline. Not counted in ClinVar's aggregate classification.

Literature cited by the submitters: PubMed 20010382 (cited by Genomenon, Inc); PubMed 16180115 (cited by Genomenon, Inc).

NM_003742.4(ABCB11):c.167C>T (p.Ser56Leu)

Gene: ABCB11 (ATP binding cassette subfamily B member 11; minus strand). Cytogenetic location: 2q31.1.
Variant type: single nucleotide variant.
Coding change: c.167C>T on transcript NM_003742.4 (MANE Select); coding-DNA position 167, C replaced by T.
Protein change: p.Ser56Leu; replaces serine 56 with leucine.
Molecular consequence: missense variant.
Genome position (GRCh38, 1-based): chr2:169,013,494, G>A on the plus strand (C>T on the coding strand, the complement: ABCB11 is on the minus strand). VCF-style: chr2-169013494-G-A. GRCh37 (hg19) VCF-style: chr2-169870004-G-A.
Other names: c.167C>T, p.Ser56Leu (LRG_1199t1); short protein forms S56L.
Identifiers: ClinVar variation 382469 (VCV000382469.23), dbSNP rs11568361, ClinGen allele CA1951947.